The following is an entry in ClinVar:

ClinVar aggregate classification (germline): Uncertain significance (1 of 4 stars; one submission).

Submission:

GeneDx
Classification: Uncertain significance. Last evaluated: 2023-12-13. Review status: criteria provided, single submitter. Criteria: GeneDx Variant Classification Process June 2021. Collection method: clinical testing. Allele origin: germline. Affected: yes.
Comment: Not observed at significant frequency in large population cohorts (gnomAD); In silico analysis supports that this missense variant has a deleterious effect on protein structure/function; Has not been previously published as pathogenic or benign to our knowledge

NM_001376.5(DYNC1H1):c.692A>T (p.Asp231Val)

Gene: DYNC1H1 (dynein cytoplasmic 1 heavy chain 1; plus strand). Cytogenetic location: 14q32.31.
Variant type: single nucleotide variant.
Coding change: c.692A>T on transcript NM_001376.5 (MANE Select); coding-DNA position 692, A replaced by T.
Protein change: p.Asp231Val; replaces aspartic acid 231 with valine.
Molecular consequence: missense variant.
Genome position (GRCh38, 1-based): chr14:101,979,892, A>T. VCF-style: chr14-101979892-A-T. GRCh37 (hg19) VCF-style: chr14-102446229-A-T.
Other names: short protein forms D231V.
Identifiers: ClinVar variation 3365481 (VCV003365481.1).
Genomic context (GRCh38, chr14:101,979,892, plus strand): 5'-CAATGATCACAAATGTTGCAAAACAGTGTTATGAGCGTGGAGAAAAGCCAAAAGTTACAG[A>T]CTTTGGTGATAAGGTTGAAGACCCAACATTTCTTAATCAGTTACAATCTGGAGTTAACCG-3'
Protein context (NP_001367.2, residues 221-241): YERGEKPKVT[Asp231Val]FGDKVEDPTF